The following is an entry in ClinVar:

ClinVar aggregate classification (germline): Likely benign (0 of 4 stars; one submission).

Conditions:
PCSK1-related disorder. Also called: PCSK1-related condition.

Submission:

PreventionGenetics, part of Exact Sciences
Classification: Likely benign for PCSK1-related condition. Last evaluated: 2024-05-31. Review status: no assertion criteria provided. Collection method: clinical testing. Allele origin: germline.
Comment: This variant is classified as likely benign based on ACMG/AMP sequence variant interpretation guidelines (Richards et al. 2015 PMID: 25741868, with internal and published modifications).

NM_000439.5(PCSK1):c.531T>C (p.Ile177=)

Genes: CAST (calpastatin; plus strand), PCSK1 (proprotein convertase subtilisin/kexin type 1; minus strand), LOC101929710 (uncharacterized LOC101929710; plus strand). Cytogenetic location: 5q15.
Variant type: single nucleotide variant.
Coding change: c.531T>C on transcript NM_000439.5 (MANE Select); coding-DNA position 531, T replaced by C.
Protein change: p.Ile177=; no amino-acid change (isoleucine 177 retained).
Molecular consequence: synonymous variant. On other transcripts: intron variant (11).
Genome position (GRCh38, 1-based): chr5:96,423,325, A>G on the plus strand (T>C on the coding strand, the complement: PCSK1 is on the minus strand). VCF-style: chr5-96423325-A-G. GRCh37 (hg19) VCF-style: chr5-95759029-A-G.
Other names: c.390T>C, p.Ile130= (NM_001177875.2); c.-175+43673A>G (NM_001423254.1, NM_001423259.1, NM_001423255.1 and 6 more transcripts); c.-103+43673A>G (NM_001423253.1); c.-40+43673A>G (NM_001423258.1).
Identifiers: ClinVar variation 3348412 (VCV003348412.1).